The following is an entry in ClinVar:

ClinVar aggregate classification (germline): Likely pathogenic (1 of 4 stars; one submission).

Submission:

CeGaT Center for Human Genetics Tuebingen
Classification: Likely pathogenic. Last evaluated: 2024-03-01. Review status: criteria provided, single submitter. Criteria: CeGaT Center For Human Genetics Tuebingen Variant Classification Criteria Version 2. Collection method: clinical testing. Allele origin: germline. Affected: yes. Observed: 1 variant allele.
Comment: CASZ1: PM2, PS2:Moderate, PVS1:Moderate

NM_001079843.3(CASZ1):c.1968C>G (p.Tyr656Ter)

Gene: CASZ1 (castor zinc finger 1; minus strand). Cytogenetic location: 1p36.22.
Variant type: single nucleotide variant.
Coding change: c.1968C>G on transcript NM_001079843.3 (MANE Select); coding-DNA position 1968, C replaced by G.
Protein change: p.Tyr656Ter; replaces tyrosine 656 with a stop codon.
Molecular consequence: nonsense.
Genome position (GRCh38, 1-based): chr1:10,654,089, G>C on the plus strand (C>G on the coding strand, the complement: CASZ1 is on the minus strand). VCF-style: chr1-10654089-G-C. GRCh37 (hg19) VCF-style: chr1-10714146-G-C.
Other names: c.1968C>G, p.Tyr656Ter (NM_017766.5); short protein forms Y656*.
Identifiers: ClinVar variation 3067744 (VCV003067744.21), dbSNP rs779789610, ClinGen allele CA338366277.